The following is an entry in ClinVar:

ClinVar aggregate classification (germline): Uncertain significance (1 of 4 stars; one submission).

Conditions:
Female infertility due to zona pellucida defect (OZEMA1). Also called: Oocyte maturation defect 1; OOCYTE/ZYGOTE/EMBRYO MATURATION ARREST 1. Identifiers: Orphanet 404466, MedGen C4014291, MONDO:0014342, OMIM 615774.

gnomAD v4.1: 3 of 1,614,220 alleles (0.00019%); highest among the groups gnomAD compares: Non-Finnish European, 0.00025%; no homozygotes.

Submission:

Juno Genomics, Hangzhou Juno Genomics, Inc
Classification: Uncertain significance for Female infertility due to zona pellucida defect. Review status: criteria provided, single submitter. Criteria: ACMG Guidelines, 2015. Collection method: clinical testing. Allele origin: germline. Affected: yes.
Comment: Absent from controls (or at extremely low frequency if recessive) in Genome Aggregation Database, Exome Sequencing Project, 1000 Genomes Project, or Exome Aggregation Consortium.;Patient's phenotype or family history is highly specific for a disease with a single genetic etiology.

NM_207341.4(ZP1):c.1588A>G (p.Ser530Gly)

Gene: ZP1 (zona pellucida glycoprotein 1; plus strand). Cytogenetic location: 11q12.2.
Variant type: single nucleotide variant.
Coding change: c.1588A>G on transcript NM_207341.4 (MANE Select); coding-DNA position 1588, A replaced by G.
Protein change: p.Ser530Gly; replaces serine 530 with glycine.
Molecular consequence: missense variant.
Genome position (GRCh38, 1-based): chr11:60,874,948, A>G. VCF-style: chr11-60874948-A-G. GRCh37 (hg19) VCF-style: chr11-60642421-A-G.
Other names: c.709A>G, p.Ser237Gly (NM_001391943.1); c.394A>G, p.Ser132Gly (NM_001391944.1); short protein forms S132G, S237G, S530G.
Identifiers: ClinVar variation 4796544 (VCV004796544.1).